The following is an entry in ClinVar:

ClinVar aggregate classification (germline): Likely benign (1 of 4 stars; one submission).

Allele frequency attached by ClinVar (database versions not stated): gnomAD exomes 0.00058; gnomAD 0.00389; 1000 Genomes Project 0.00439; 1000 Genomes Project 30x 0.00453; TOPMed 0.00489.
gnomAD v4.1: 665 of 238,648 alleles (0.28%); highest among the groups gnomAD compares: African/African-American, 1.4%; 5 homozygotes.

Submission:

GeneDx
Classification: Likely benign. Last evaluated: 2018-06-16. Review status: criteria provided, single submitter. Criteria: GeneDx Variant Classification (06012015). Collection method: clinical testing. Allele origin: germline. Affected: yes.
Comment: This variant is considered likely benign or benign based on one or more of the following criteria: it is a conservative change, it occurs at a poorly conserved position in the protein, it is predicted to be benign by multiple in silico algorithms, and/or has population frequency not consistent with disease.

NM_001134363.3(RBM20):c.3573+299T>C

Gene: RBM20 (RNA binding motif protein 20; plus strand). Cytogenetic location: 10q25.2.
Variant type: single nucleotide variant.
Coding change: c.3573+299T>C on transcript NM_001134363.3 (MANE Select); 299 bases into the intron after coding-DNA position 3573, T replaced by C.
Molecular consequence: intron variant.
Genome position (GRCh38, 1-based): chr10:110,831,481, T>C. VCF-style: chr10-110831481-T-C. GRCh37 (hg19) VCF-style: chr10-112591239-T-C.
Identifiers: ClinVar variation 673514 (VCV000673514.1), dbSNP rs76806621, ClinGen allele CA213235176.